The following is an entry in ClinVar:

NM_152296.5(ATP1A3):c.2990_2998del (p.Leu997_Leu999del)

Gene: ATP1A3 (ATPase Na+/K+ transporting subunit alpha 3; minus strand). Cytogenetic location: 19q13.2.
Variant type: Deletion.
Coding change: c.2990_2998del on transcript NM_152296.5 (MANE Select); coding-DNA positions 2990 to 2998, 9 bases deleted (TCATCCTGC; older notation c.2990_2998delTCATCCTGC).
Protein change: p.Leu997_Leu999del.
Genome position (GRCh38, 1-based): chr19:41,967,264-41,967,272, GCAGGATGA deleted on the plus strand (TCATCCTGC on the coding strand, the reverse complement: ATP1A3 is on the minus strand); deleting any 9 consecutive bases within chr19:41,967,264-41,967,273 gives the same sequence; the c. name uses the placement nearest the transcript's 3' end. VCF-style (leftmost placement, unchanged base first): chr19-41967263-CGCAGGATGA-C. GRCh37 (hg19) VCF-style: chr19-42471415-CGCAGGATGA-C.
Other names: c.3023_3031del, p.Leu1008_Leu1010del (NM_001256213.2); c.3029_3037del, p.Leu1010_Leu1012del (NM_001256214.2).
Identifiers: ClinVar variation 3729107 (VCV003729107.2).
Genomic context (GRCh38, chr19:41,967,263, plus strand): 5'-CCTGCTGCCCCCCGCCCCCCTCGGCTGCCTTGCCGAGCTCCCTCACCCCCTGGGTTCCTG[CGCAGGATGA>C]GTTTGCGGATTTCGTCGTAGACGAAGATGAGGAAACTGTAGGGGAAGGCACAGAACCACC-3'

ClinVar aggregate classification (germline): Uncertain significance (1 of 4 stars; one submission).

Conditions:
Dystonia 12 (DYT12). Also called: DYT-ATP1A3; Rapid-Onset Dystonia-Parkinsonism (RDP). Identifiers: Orphanet 71517, MedGen C1868681, MONDO:0007496, OMIM 128235.

Submission:

Labcorp Genetics (formerly Invitae), Labcorp
Classification: Uncertain significance for Dystonia 12. Last evaluated: 2025-01-17. Review status: criteria provided, single submitter. Criteria: Invitae Variant Classification Sherloc (09022015). Collection method: clinical testing. Allele origin: germline.
Comment: This variant, c.2990_2998del, results in the deletion of 3 amino acid(s) of the ATP1A3 protein (p.Leu997_Leu999del), but otherwise preserves the integrity of the reading frame. This variant is not present in population databases (gnomAD no frequency). This variant has been observed in individual(s) with alternating hemiparesis (internal data). Experimental studies and prediction algorithms are not available or were not evaluated, and the functional significance of this variant is currently unknown. In summary, the available evidence is currently insufficient to determine the role of this variant in disease. Therefore, it has been classified as a Variant of Uncertain Significance.